The following is an entry in ClinVar:

NM_001298.3(CNGA3):c.1071C>G (p.Tyr357Ter)

Gene: CNGA3 (cyclic nucleotide gated channel subunit alpha 3; plus strand). Cytogenetic location: 2q11.2.
Variant type: single nucleotide variant.
Coding change: c.1071C>G on transcript NM_001298.3 (MANE Select); coding-DNA position 1071, C replaced by G.
Protein change: p.Tyr357Ter; replaces tyrosine 357 with a stop codon.
Molecular consequence: nonsense.
Genome position (GRCh38, 1-based): chr2:98,396,241, C>G. VCF-style: chr2-98396241-C-G. GRCh37 (hg19) VCF-style: chr2-99012704-C-G.
Other names: c.1017C>G, p.Tyr339Ter (NM_001079878.2); short protein forms Y339*, Y357*.
Identifiers: ClinVar variation 2793105 (VCV002793105.4), dbSNP rs2467029025, ClinGen allele CA347832770.

ClinVar aggregate classification (germline): Pathogenic/Likely pathogenic. Review status: criteria provided, multiple submitters, no conflicts (2 of 4 stars). 2 submissions from 2 submitters: Pathogenic (1); Likely pathogenic (1). Last evaluated 2023-08-04.

Conditions:
CNGA3-related disorders.

Submissions (2):

Labcorp Genetics (formerly Invitae), Labcorp
Classification: Pathogenic. Last evaluated: 2023-08-04. Review status: criteria provided, single submitter. Criteria: Invitae Variant Classification Sherloc (09022015). Collection method: clinical testing. Allele origin: germline.
Comment: For these reasons, this variant has been classified as Pathogenic. This variant disrupts a region of the CNGA3 protein in which other variant(s) (p.Arg661Ser) have been determined to be pathogenic (PMID: 24676353, 30711023; Invitae). This suggests that this is a clinically significant region of the protein, and that variants that disrupt it are likely to be disease-causing. This variant has not been reported in the literature in individuals affected with CNGA3-related conditions. This variant is not present in population databases (gnomAD no frequency). This sequence change creates a premature translational stop signal (p.Tyr357*) in the CNGA3 gene. While this is not anticipated to result in nonsense mediated decay, it is expected to disrupt the last 338 amino acid(s) of the CNGA3 protein.

Blueprint Genetics
Classification: Likely pathogenic for CNGA3-related disorders. Last evaluated: 2019-12-02. Review status: criteria provided, single submitter. Criteria: ACMG Guidelines, 2015. Collection method: clinical testing. Allele origin: germline. Affected: yes. Observed: 1 variant allele.

Literature cited by the submitters: PubMed 24676353 (cited by Labcorp Genetics (formerly Invitae), Labcorp); PubMed 30711023 (cited by Labcorp Genetics (formerly Invitae), Labcorp).